The following is an entry in ClinVar:

NM_004991.4(MECOM):c.980T>C (p.Val327Ala)

Gene: MECOM (MDS1 and EVI1 complex locus; minus strand). Cytogenetic location: 3q26.2.
Variant type: single nucleotide variant.
Coding change: c.980T>C on transcript NM_004991.4 (MANE Select); coding-DNA position 980, T replaced by C.
Protein change: p.Val327Ala; replaces valine 327 with alanine.
Molecular consequence: missense variant.
Genome position (GRCh38, 1-based): chr3:169,121,208, A>G on the plus strand (T>C on the coding strand, the complement: MECOM is on the minus strand). VCF-style: chr3-169121208-A-G. GRCh37 (hg19) VCF-style: chr3-168838996-A-G.
Other names: c.611T>C, p.Val204Ala (NM_001105077.4); c.416T>C, p.Val139Ala (NM_001105078.4, NM_001164000.2, NM_001205194.2 and 5 more transcripts); c.419T>C, p.Val140Ala (NM_001163999.2, NM_001366467.2, NM_001366468.2 and 1 more transcripts); c.980T>C, p.Val327Ala (NM_001366466.2, NM_001366473.2); short protein forms V327A, V204A, V139A, V140A.
Identifiers: ClinVar variation 4842746 (VCV004842746.1).

ClinVar aggregate classification (germline): Uncertain significance (1 of 4 stars; one submission).

Conditions:
Inborn genetic diseases. Identifiers: MedGen C0950123, MeSH D030342.

Submission:

Ambry Genetics
Classification: Uncertain significance for Inborn genetic diseases. Last evaluated: 2025-12-20. Review status: criteria provided, single submitter. Criteria: Ambry Variant Classification Scheme 2023. Collection method: clinical testing. Allele origin: germline.
Comment: The p.V327A variant (also known as c.980T>C), located in coding exon 7 of the MECOM gene, results from a T to C substitution at nucleotide position 980. The valine at codon 327 is replaced by alanine, an amino acid with similar properties. This amino acid position is conserved. In addition, the in silico prediction for this alteration is inconclusive. Based on the available evidence, the clinical significance of this variant remains unclear.